The following is an entry in ClinVar:

NM_015272.5(RPGRIP1L):c.1896C>G (p.Phe632Leu)

Gene: RPGRIP1L (RPGRIP1 like; minus strand). Cytogenetic location: 16q12.2.
Variant type: single nucleotide variant.
Coding change: c.1896C>G on transcript NM_015272.5 (MANE Select); coding-DNA position 1896, C replaced by G.
Protein change: p.Phe632Leu; replaces phenylalanine 632 with leucine.
Molecular consequence: missense variant.
Genome position (GRCh38, 1-based): chr16:53,652,791, G>C on the plus strand (C>G on the coding strand, the complement: RPGRIP1L is on the minus strand). VCF-style: chr16-53652791-G-C. GRCh37 (hg19) VCF-style: chr16-53686703-G-C.
Other names: c.1896C>G, p.Phe632Leu (NM_001127897.4, NM_001308334.3, NM_001330538.2); short protein forms F632L.
Identifiers: ClinVar variation 2007125 (VCV002007125.1), dbSNP rs2544208909, ClinGen allele CA395917088.

ClinVar aggregate classification (germline): Uncertain significance (1 of 4 stars; one submission).

Conditions:
Joubert syndrome. Also called: CEREBELLOPARENCHYMAL DISORDER IV; JOUBERT-BOLTSHAUSER SYNDROME; Familial aplasia of the vermis. Identifiers: Orphanet 475, MedGen C5979921, MONDO:0018772.
Meckel-Gruber syndrome. Also called: DYSENCEPHALIA SPLANCHNOCYSTICA; GRUBER SYNDROME; Dysencephalia splachnocystica. Identifiers: Orphanet 564, MedGen C0265215, MONDO:0018921.

Submission:

Labcorp Genetics (formerly Invitae), Labcorp
Classification: Uncertain significance for Joubert syndrome; Meckel-Gruber syndrome. Last evaluated: 2022-06-15. Review status: criteria provided, single submitter. Criteria: Invitae Variant Classification Sherloc (09022015). Collection method: clinical testing. Allele origin: germline.
Comment: This sequence change replaces phenylalanine, which is neutral and non-polar, with leucine, which is neutral and non-polar, at codon 632 of the RPGRIP1L protein (p.Phe632Leu). This variant is not present in population databases (gnomAD no frequency). This variant has not been reported in the literature in individuals affected with RPGRIP1L-related conditions. Algorithms developed to predict the effect of missense changes on protein structure and function are either unavailable or do not agree on the potential impact of this missense change (SIFT: "Deleterious"; PolyPhen-2: "Probably Damaging"; Align-GVGD: "Class C15"). In summary, the available evidence is currently insufficient to determine the role of this variant in disease. Therefore, it has been classified as a Variant of Uncertain Significance.